The following is an entry in ClinVar:

ClinVar aggregate classification (germline): Conflicting classifications of pathogenicity. Review status: criteria provided, conflicting classifications (1 of 4 stars). 2 submissions from 2 submitters: Likely pathogenic (1); Uncertain significance (1). Last evaluated 2025-10-09.

Conditions:
Familial hypokalemia-hypomagnesemia (GTLMNS). Also called: HYPOMAGNESEMIA-HYPOKALEMIA, PRIMARY RENOTUBULAR, WITH HYPOCALCIURIA; POTASSIUM AND MAGNESIUM DEPLETION; gitelman syndrome. Identifiers: Orphanet 358, MedGen C0268450, MONDO:0009904, OMIM 263800.

gnomAD v4.1: 80 of 1,611,784 alleles (0.005%); highest among the groups gnomAD compares: East Asian, 0.0067%; no homozygotes.

Submissions (2):

Natera, Inc.
Classification: Likely pathogenic for Gitelman syndrome. Last evaluated: 2025-10-09. Review status: criteria provided, single submitter. Criteria: Natera Variant Classification Schema (03/2026). Collection method: clinical testing. Allele origin: germline.
Comment: The c.2243C>T variant in SLC12A3 is a missense variant predicted to cause substitution of serine to leucine at amino acid 748. This variant is rare in the general population with a frequency below the threshold expected for the associated phenotype(s). This variant has been observed in one or more individuals affected with the associated recessive disease, as either homozygous or compound heterozygous with a second variant (PMID: 26770037). Additionally, this variant has been observed to segregate in affected family members (PMID: 26770037). This variant has been identified in one or more affected individuals with a phenotype highly consistent with the associated gene (PMID: 26770037). Multiple computational prediction algorithms suggest this variant is unlikely to affect gene or protein function. Given the available evidence, this variant is classified as Likely Pathogenic.

Fulgent Genetics
Classification: Uncertain significance for Familial hypokalemia-hypomagnesemia. Last evaluated: 2024-01-05. Review status: criteria provided, single submitter. Criteria: ACMG Guidelines, 2015. Collection method: clinical testing. Allele origin: germline.

Literature cited by the submitters: PubMed 26770037 (cited by Natera, Inc.).

NM_001126108.2(SLC12A3):c.2243C>T (p.Ser748Leu)

Gene: SLC12A3 (solute carrier family 12 member 3; plus strand). Cytogenetic location: 16q13.
Variant type: single nucleotide variant.
Coding change: c.2243C>T on transcript NM_001126108.2 (MANE Select); coding-DNA position 2243, C replaced by T.
Protein change: p.Ser748Leu; replaces serine 748 with leucine.
Molecular consequence: missense variant.
Genome position (GRCh38, 1-based): chr16:56,887,989, C>T. VCF-style: chr16-56887989-C-T. GRCh37 (hg19) VCF-style: chr16-56921901-C-T.
Other names: c.2243C>T, p.Ser748Leu (NM_000339.3); c.2240C>T, p.Ser747Leu (NM_001126107.2, NM_001410896.1); c.2243C>T (NM_000339.2); short protein forms S747L, S748L.
Identifiers: ClinVar variation 3581051 (VCV003581051.2).
Genomic context (GRCh38, chr16:56,887,989, plus strand): 5'-CAGGTCTCGGGAGAATGAAGCCCAACATTCTGGTGGTTGGGTTCAAGAAGAACTGGCAGT[C>T]GGCTCACCCGGCCACAGTGGAAGACTACATTGGCATCCTCCAGTGAGTCGGGGGAGAGGA-3'
Protein context (NP_001119580.2, residues 738-758): LVVGFKKNWQ[Ser748Leu]AHPATVEDYI